The following is an entry in ClinVar:

ClinVar aggregate classification (germline): Pathogenic (1 of 4 stars; one submission).

Conditions:
Fabry disease. Also called: ALPHA-GALACTOSIDASE A DEFICIENCY; ANDERSON-FABRY DISEASE; CERAMIDE TRIHEXOSIDASE DEFICIENCY; GLA DEFICIENCY; HEREDITARY DYSTOPIC LIPIDOSIS; Angiokeratoma corporis diffusum. Identifiers: Orphanet 324, MedGen C0002986, MONDO:0010526, OMIM 301500, HP:0001071. Disease mechanism: Fabry disease is due to inactivating mutations in the X-linked GLA gene resulting in deficiency of the enzyme Alpha Galactosidase-A., loss of function.

Submission:

Genomenon, Inc
Classification: Pathogenic for Fabry disease. Last evaluated: 2026-09-08. Review status: criteria provided, single submitter. Criteria: Genomenon Sequence Variant Interpretation Standards - Updated. Collection method: curation. Allele origin: germline. Affected: yes.
Comment: GLA p.Leu206Pro (c.617T>C) is a missense variant that changes the amino acid at codon 206 from Leucine to Proline. This variant has been observed in at least one proband with clinical features consistent with Fabry disease (PMID:27560961;28382085;36165155). At least one functional study has demonstrated a substantial alteration in protein function relative to the wild-type (PMID:27657681). This variant is located in a mutational hotspot and/or important functional domain. It is absent or not present at a significant frequency in gnomAD. In silico models predict that this variant is possibly or probably damaging. In conclusion, we classify GLA p.Leu206Pro (c.617T>C) as a pathogenic variant.

Literature cited by the submitters: PubMed 27560961; PubMed 28382085; PubMed 36165155; PubMed 27657681.

NM_000169.3(GLA):c.617T>C (p.Leu206Pro)

Genes: GLA (galactosidase alpha; minus strand), RPL36A-HNRNPH2 (RPL36A-HNRNPH2 readthrough; plus strand). Cytogenetic location: Xq22.1.
Variant type: single nucleotide variant.
Coding change: c.617T>C on transcript NM_000169.3 (MANE Select); coding-DNA position 617, T replaced by C.
Protein change: p.Leu206Pro; replaces leucine 206 with proline.
Molecular consequence: missense variant. On other transcripts: non-coding transcript variant (2), intron variant (2).
Genome position (GRCh38, 1-based): chrX:101,400,688, A>G on the plus strand (T>C on the coding strand, the complement: GLA is on the minus strand). VCF-style: chrX-101400688-A-G. GRCh37 (hg19) VCF-style: chrX-100655676-A-G.
Other names: c.740T>C, p.Leu247Pro (NM_001406747.1); c.617T>C, p.Leu206Pro (NM_001406748.1); c.300+5231A>G (NM_001199973.2); c.177+8866A>G (NM_001199974.2); short protein forms L206P, L247P.
Identifiers: ClinVar variation 4087437 (VCV004087437.2).
Genomic context (GRCh38, chrX:101,400,688, plus strand): 5'-CAGTACAGTTCTATTGGATTCTGGGCTCACTATCTCACCTTTTGAAAGGGCCACATATAA[A>G]GAGGCCACTCACAGGAGTACACAATGCTTCTGCCAGTCCTATTCAGGGCCAAGGACATGT-3'
Protein context (NP_000160.1, residues 196-216): RSIVYSCEWP[Leu206Pro]YMWPFQKPNY